The following is an entry in ClinVar:

ClinVar aggregate classification (germline): Likely pathogenic (1 of 4 stars; one submission).

gnomAD v4.1: 4 of 1,576,574 alleles (0.00025%); highest among the groups gnomAD compares: African/African-American, 0.0013%; no homozygotes.

Submission:

GeneDx
Classification: Likely pathogenic. Last evaluated: 2018-01-05. Review status: criteria provided, single submitter. Criteria: GeneDx Variant Classification (06012015). Collection method: clinical testing. Allele origin: germline. Affected: yes.
Comment: The R1541X variant is not observed in large population cohorts (Lek et al., 2016). This variant is predicted to cause loss of normal protein function either through protein truncation or nonsense-mediated mRNA decay. Although, the R1541X variant has not been previously reported to our knowledge, other loss-of-function variants in the AGRN gene have been reported in the Human Gene Mutation Database in association with congenital myasthenia syndrome (Stenson et al., 2014).

NM_198576.4(AGRN):c.4621C>T (p.Arg1541Ter)

Gene: AGRN (agrin; plus strand). Cytogenetic location: 1p36.33.
Variant type: single nucleotide variant.
Coding change: c.4621C>T on transcript NM_198576.4 (MANE Select); coding-DNA position 4621, C replaced by T.
Protein change: p.Arg1541Ter; replaces arginine 1541 with a stop codon.
Molecular consequence: nonsense.
Genome position (GRCh38, 1-based): chr1:1,049,672, C>T. VCF-style: chr1-1049672-C-T. GRCh37 (hg19) VCF-style: chr1-985052-C-T.
Other names: c.4621C>T, p.Arg1541Ter (NM_001305275.2); c.4306C>T, p.Arg1436Ter (NM_001364727.2); short protein forms R1541*, R1436*.
Identifiers: ClinVar variation 489335 (VCV000489335.1), dbSNP rs750176911, ClinGen allele CA337778755.